The following is an entry in ClinVar:

ClinVar aggregate classification (germline): Likely benign (0 of 4 stars; one submission).

Conditions:
IFT172-related disorder. Also called: IFT172-related disorders; IFT172-related condition.

gnomAD v4.1: 2 of 1,612,994 alleles (0.00012%); highest among the groups gnomAD compares: African/African-American, 0.0027%; no homozygotes.

Submission:

PreventionGenetics, part of Exact Sciences
Classification: Likely benign for IFT172-related condition. Last evaluated: 2022-05-26. Review status: no assertion criteria provided. Collection method: clinical testing. Allele origin: germline.
Comment: This variant is classified as likely benign based on ACMG/AMP sequence variant interpretation guidelines (Richards et al. 2015 PMID: 25741868, with internal and published modifications).

NM_015662.3(IFT172):c.2607G>A (p.Gln869=)

Genes: IFT172 (intraflagellar transport 172; minus strand), LOC126806174 (CDK7 strongly-dependent group 2 enhancer GRCh37_chr2:27681686-27682885; plus strand). Cytogenetic location: 2p23.3.
Variant type: single nucleotide variant.
Coding change: c.2607G>A on transcript NM_015662.3 (MANE Select); coding-DNA position 2607, G replaced by A.
Protein change: p.Gln869=; no amino-acid change (glutamine 869 retained).
Molecular consequence: synonymous variant.
Genome position (GRCh38, 1-based): chr2:27,459,744, C>T on the plus strand (G>A on the coding strand, the complement: IFT172 is on the minus strand). VCF-style: chr2-27459744-C-T. GRCh37 (hg19) VCF-style: chr2-27682611-C-T.
Other names: c.2541G>A, p.Gln847= (NM_001410739.1).
Identifiers: ClinVar variation 3354722 (VCV003354722.1).